The following is an entry in ClinVar:

NM_005026.5(PIK3CD):c.2571C>T (p.Asn857=)

Gene: PIK3CD (phosphatidylinositol-4,5-bisphosphate 3-kinase catalytic subunit delta; plus strand). Cytogenetic location: 1p36.22.
Variant type: single nucleotide variant.
Coding change: c.2571C>T on transcript NM_005026.5 (MANE Select); coding-DNA position 2571, C replaced by T.
Protein change: p.Asn857=; no amino-acid change (asparagine 857 retained).
Molecular consequence: synonymous variant.
Genome position (GRCh38, 1-based): chr1:9,723,269, C>T. VCF-style: chr1-9723269-C-T. GRCh37 (hg19) VCF-style: chr1-9783327-C-T.
Other names: p.Asn857=; c.2568C>T, p.Asn856= (NM_001350234.2); c.2484C>T, p.Asn828= (NM_001350235.1).
Identifiers: ClinVar variation 738867 (VCV000738867.12), dbSNP rs143575165, ClinGen allele CA577568.
Genomic context (GRCh38, chr1:9,723,269, plus strand): 5'-CCAACTCAACAAGAGCAACATGGCAGCCACAGCCGCCTTCAACAAGGATGCCCTGCTCAA[C>T]TGGCTGAAGTCCAAGAACCCGGGGTGGGTTTCAGGCCCAGGGATAGGTTCCCTCTCCTTT-3'
Protein context (NP_005017.3, residues 847-867): TAAFNKDALL[Asn857=]WLKSKNPGEA

ClinVar aggregate classification (germline): Likely benign. Review status: criteria provided, multiple submitters, no conflicts (2 of 4 stars). 4 submissions from 4 submitters: Likely benign (3). 1 of the submissions does not count toward it. Last evaluated 2025-11-03.

Conditions:
PIK3CD-related disorder. Also called: PIK3CD-related condition.
Immunodeficiency 14 (IMD14A). Also called: p110-DELTA-ACTIVATING MUTATION CAUSING SENESCENT T CELLS, LYMPHADENOPATHY, AND IMMUNODEFICIENCY; Activated PI3K Delta Syndrome Type 1 (APDS1); ACTIVATED PI3K-DELTA SYNDROME 1; IMMUNODEFICIENCY 14A WITH LYMPHOPROLIFERATION, AUTOSOMAL DOMINANT. Identifiers: Orphanet 397596, Orphanet 693661, MedGen C5907821, MONDO:0014222, OMIM 615513.

Allele frequency attached by ClinVar (database versions not stated): gnomAD 0.00025 and 0.00026; gnomAD exomes 0.00004 and 0.00003; TOPMed 0.00031; ESP Exome Variant Server 0.00023; ExAC 0.00005; 1000 Genomes Project 30x 0.00031.
gnomAD v4.1: 75 of 1,614,030 alleles (0.0046%); highest among the groups gnomAD compares: African/African-American, 0.097%; no homozygotes.

Submissions (4):

Labcorp Genetics (formerly Invitae), Labcorp
Classification: Likely benign for Activated PI3K-delta syndrome. Last evaluated: 2025-11-03. Review status: criteria provided, single submitter. Criteria: Invitae Variant Classification Sherloc (09022015). Collection method: clinical testing. Allele origin: germline.

Mayo Clinic Laboratories, Mayo Clinic
Classification: Likely benign. Last evaluated: 2025-01-20. Review status: criteria provided, single submitter. Criteria: ACMG Guidelines, 2015. Collection method: clinical testing. Allele origin: germline. Observed: 1 variant allele.
Comment: BP4, BP7

Blueprint Genetics
Classification: Likely benign. Last evaluated: 2024-10-02. Review status: criteria provided, single submitter. Criteria: ACMG Guidelines, 2015. Collection method: clinical testing. Allele origin: germline.

PreventionGenetics, part of Exact Sciences
Classification: Likely benign for PIK3CD-related condition. Last evaluated: 2019-10-02. Review status: no assertion criteria provided. Collection method: clinical testing. Allele origin: germline. Not counted in ClinVar's aggregate classification.
Comment: This variant is classified as likely benign based on ACMG/AMP sequence variant interpretation guidelines (Richards et al. 2015 PMID: 25741868, with internal and published modifications).